The following is an entry in ClinVar:

NM_015045.5(WAPL):c.1926_1927del (p.Phe642fs)

Gene: WAPL (WAPL cohesin release factor; minus strand). Cytogenetic location: 10q23.2.
Variant type: Deletion.
Coding change: c.1926_1927del on transcript NM_015045.5 (MANE Select); coding-DNA positions 1926 to 1927, 2 bases deleted (CA; older notation c.1926_1927delCA).
Protein change: p.Phe642fs; shifts the reading frame from phenylalanine 642.
Molecular consequence: frameshift variant.
Genome position (GRCh38, 1-based): chr10:86,472,311-86,472,312, TG deleted on the plus strand (CA on the coding strand, the reverse complement: WAPL is on the minus strand). VCF-style (leftmost placement, unchanged base first): chr10-86472310-TTG-T. GRCh37 (hg19) VCF-style: chr10-88232067-TTG-T.
Other names: c.1908_1909del, p.Phe636fs (NM_001318328.2); short protein forms F636fs, F642fs.
Identifiers: ClinVar variation 4891319 (VCV004891319.1).

ClinVar aggregate classification (germline): Uncertain significance (1 of 4 stars; one submission).

Submission:

GeneDx
Classification: Uncertain significance. Last evaluated: 2022-12-14. Review status: criteria provided, single submitter. Criteria: GeneDx Variant Classification Process June 2021. Collection method: clinical testing. Allele origin: germline.
Comment: Frameshift variant predicted to result in protein truncation or nonsense mediated decay in a gene or region of a gene for which loss of function is not a well-established mechanism of disease; Not observed at significant frequency in large population cohorts (gnomAD); Has not been previously published as pathogenic or benign to our knowledge; Variants in candidate genes are classified as variants of uncertain significance in accordance with ACMG guidelines (Richards et al., 2015)